The following is an entry in ClinVar:

ClinVar aggregate classification (germline): Uncertain significance (1 of 4 stars; one submission).

Conditions:
Episodic ataxia type 1 (EA1). Also called: Episodic ataxia/myokymia syndrome; ATAXIA, EPISODIC, WITH MYOKYMIA; MYOKYMIA WITH PERIODIC ATAXIA; PAROXYSMAL ATAXIA WITH NEUROMYOTONIA, HEREDITARY. Identifiers: Orphanet 37612, Orphanet 972, MedGen C1719788, MONDO:0008047, OMIM 160120.

Submission:

Labcorp Genetics (formerly Invitae), Labcorp
Classification: Uncertain significance for Episodic ataxia type 1. Last evaluated: 2024-09-30. Review status: criteria provided, single submitter. Criteria: Invitae Variant Classification Sherloc (09022015). Collection method: clinical testing. Allele origin: germline.
Comment: This sequence change replaces threonine, which is neutral and polar, with serine, which is neutral and polar, at codon 2 of the KCNA1 protein (p.Thr2Ser). This variant is not present in population databases (gnomAD no frequency). This variant has not been reported in the literature in individuals affected with KCNA1-related conditions. An algorithm developed to predict the effect of missense changes on protein structure and function (PolyPhen-2) suggests that this variant is likely to be disruptive. In summary, the available evidence is currently insufficient to determine the role of this variant in disease. Therefore, it has been classified as a Variant of Uncertain Significance.

NM_000217.3(KCNA1):c.4A>T (p.Thr2Ser)

Genes: KCNA1 (potassium voltage-gated channel subfamily A member 1; plus strand), LOC130007218 (ATAC-STARR-seq lymphoblastoid silent region 4155; plus strand). Cytogenetic location: 12p13.32.
Variant type: single nucleotide variant.
Coding change: c.4A>T on transcript NM_000217.3 (MANE Select); coding-DNA position 4, A replaced by T.
Protein change: p.Thr2Ser; replaces threonine 2 with serine.
Molecular consequence: missense variant.
Genome position (GRCh38, 1-based): chr12:4,911,382, A>T. VCF-style: chr12-4911382-A-T. GRCh37 (hg19) VCF-style: chr12-5020548-A-T.
Other names: short protein forms T2S.
Identifiers: ClinVar variation 3686047 (VCV003686047.2).